The following is an entry in ClinVar:

ClinVar aggregate classification (germline): Uncertain significance. Review status: criteria provided, multiple submitters, no conflicts (2 of 4 stars). 3 submissions from 3 submitters: Uncertain significance (3). Last evaluated 2025-09-21.

Conditions:
Inborn genetic diseases. Identifiers: MedGen C0950123, MeSH D030342.

Allele frequency attached by ClinVar (database versions not stated): TOPMed 0.00001; gnomAD exomes 0.00002 and 0.00010; ExAC 0.00004.
gnomAD v4.1: 26 of 1,612,054 alleles (0.0016%); highest among the groups gnomAD compares: Admixed American, 0.038%; no homozygotes.

Submissions (3):

Ambry Genetics
Classification: Uncertain significance for Inborn genetic diseases. Last evaluated: 2025-09-21. Review status: criteria provided, single submitter. Criteria: Ambry Variant Classification Scheme 2023. Collection method: clinical testing. Allele origin: germline.

Labcorp Genetics (formerly Invitae), Labcorp
Classification: Uncertain significance. Last evaluated: 2025-05-27. Review status: criteria provided, single submitter. Criteria: Invitae Variant Classification Sherloc (09022015). Collection method: clinical testing. Allele origin: germline.
Comment: This sequence change replaces leucine, which is neutral and non-polar, with phenylalanine, which is neutral and non-polar, at codon 17 of the KITLG protein (p.Leu17Phe). This variant is present in population databases (rs749000158, gnomAD 0.07%), and has an allele count higher than expected for a pathogenic variant. This variant has not been reported in the literature in individuals affected with KITLG-related conditions. ClinVar contains an entry for this variant (Variation ID: 1521926). Invitae Evidence Modeling of protein sequence and biophysical properties (such as structural, functional, and spatial information, amino acid conservation, physicochemical variation, residue mobility, and thermodynamic stability) indicates that this missense variant is not expected to disrupt KITLG protein function with a negative predictive value of 80%. In summary, the available evidence is currently insufficient to determine the role of this variant in disease. Therefore, it has been classified as a Variant of Uncertain Significance.

GeneDx
Classification: Uncertain significance. Last evaluated: 2024-12-11. Review status: criteria provided, single submitter. Criteria: GeneDx Variant Classification Process June 2021. Collection method: clinical testing. Allele origin: germline. Affected: yes.
Comment: In silico analysis indicates that this missense variant does not alter protein structure/function; Has not been previously published as pathogenic or benign to our knowledge

NM_000899.5(KITLG):c.49C>T (p.Leu17Phe)

Gene: KITLG (KIT ligand; minus strand). Cytogenetic location: 12q21.32.
Variant type: single nucleotide variant.
Coding change: c.49C>T on transcript NM_000899.5 (MANE Select); coding-DNA position 49, C replaced by T.
Protein change: p.Leu17Phe; replaces leucine 17 with phenylalanine.
Molecular consequence: missense variant.
Genome position (GRCh38, 1-based): chr12:88,545,832, G>A on the plus strand (C>T on the coding strand, the complement: KITLG is on the minus strand). VCF-style: chr12-88545832-G-A. GRCh37 (hg19) VCF-style: chr12-88939609-G-A.
Other names: c.49C>T, p.Leu17Phe (NM_003994.6); c.49C>T (NM_000899.4); short protein forms L17F.
Identifiers: ClinVar variation 1521926 (VCV001521926.8), dbSNP rs749000158, ClinGen allele CA6713834.